The following is an entry in ClinVar:

ClinVar aggregate classification (germline): Uncertain significance (1 of 4 stars; one submission).

Conditions:
Hereditary cancer-predisposing syndrome. Also called: Neoplastic Syndromes, Hereditary; Tumor predisposition; Hereditary neoplastic syndrome; Hereditary Cancer Syndrome. Identifiers: Orphanet 140162, MedGen C0027672, MeSH D009386, MONDO:0015356.

Submission:

Ambry Genetics
Classification: Uncertain significance for Hereditary cancer-predisposing syndrome. Last evaluated: 2023-11-13. Review status: criteria provided, single submitter. Criteria: Ambry Variant Classification Scheme 2023. Collection method: clinical testing. Allele origin: germline.
Comment: The p.N170S variant (also known as c.509A>G), located in coding exon 4 of the DICER1 gene, results from an A to G substitution at nucleotide position 509. The asparagine at codon 170 is replaced by serine, an amino acid with highly similar properties. This amino acid position is highly conserved in available vertebrate species. In addition, this alteration is predicted to be tolerated by in silico analysis. Since supporting evidence is limited at this time, the clinical significance of this alteration remains unclear.

NM_177438.3(DICER1):c.509A>G (p.Asn170Ser)

Gene: DICER1 (dicer 1, ribonuclease III; minus strand). Cytogenetic location: 14q32.13.
Variant type: single nucleotide variant.
Coding change: c.509A>G on transcript NM_177438.3 (MANE Select); coding-DNA position 509, A replaced by G.
Protein change: p.Asn170Ser; replaces asparagine 170 with serine.
Molecular consequence: missense variant. On other transcripts: 5 prime UTR variant (1), non-coding transcript variant (6), intron variant (1).
Genome position (GRCh38, 1-based): chr14:95,130,122, T>C on the plus strand (A>G on the coding strand, the complement: DICER1 is on the minus strand). VCF-style: chr14-95130122-T-C. GRCh37 (hg19) VCF-style: chr14-95596459-T-C.
Other names: c.509A>G, p.Asn170Ser (NM_001195573.1, NM_001271282.3, NM_001291628.2 and 15 more transcripts); c.227A>G, p.Asn76Ser (NM_001395686.1); c.104A>G, p.Asn35Ser (NM_001395687.1, NM_001395688.1, NM_001395689.1 and 3 more transcripts); c.-1060A>G (NM_001395697.1); c.-20-39A>G (NM_001395691.1); short protein forms N170S, N35S, N76S.
Identifiers: ClinVar variation 3229427 (VCV003229427.1), dbSNP rs2543302438, ClinGen allele CA390888465.